The following is an entry in ClinVar:

NM_007294.4(BRCA1):c.1190del (p.Asp397fs)

Gene: BRCA1 (BRCA1 DNA repair associated; minus strand). Cytogenetic location: 17q21.31.
Variant type: Deletion.
Coding change: c.1190del on transcript NM_007294.4 (MANE Select); coding-DNA position 1190, one base deleted (A; older notation c.1190delA).
Protein change: p.Asp397fs; shifts the reading frame from aspartic acid 397.
Molecular consequence: frameshift variant. On other transcripts: intron variant (137).
Genome position (GRCh38, 1-based): chr17:43,094,341, T deleted on the plus strand (A on the coding strand, the reverse complement: BRCA1 is on the minus strand). VCF-style (leftmost placement, unchanged base first): chr17-43094340-GT-G. GRCh37 (hg19) VCF-style: chr17-41246357-GT-G.
Other names: c.977del, p.Asp326fs (NM_001407571.1, NM_001407853.1, NM_001407894.1 and 9 more transcripts); c.1190del, p.Asp397fs (NM_001407581.1, NM_001407582.1, NM_001407583.1 and 30 more transcripts); c.1187del, p.Asp396fs (NM_001407587.1, NM_001407590.1, NM_001407591.1 and 22 more transcripts); c.1181del, p.Asp394fs (NM_001407646.1, NM_001407647.1); c.1067del, p.Asp356fs (NM_001407648.1, NM_001407664.1, NM_001407665.1 and 19 more transcripts); c.1064del, p.Asp355fs (NM_001407649.1, NM_001407670.1, NM_001407671.1 and 11 more transcripts); c.1112del, p.Asp371fs (NM_001407653.1, NM_001407654.1, NM_001407655.1 and 4 more transcripts); c.1109del, p.Asp370fs (NM_001407659.1, NM_001407660.1, NM_001407661.1 and 1 more transcripts); and 40 more; short protein forms D350fs, D397fs, D229fs, D286fs, D270fs, D285fs, D308fs, D329fs.
Identifiers: ClinVar variation 254392 (VCV000254392.14), dbSNP rs748714307, ClinGen allele CA057081.
Genomic context (GRCh38, chr17:43,094,340, plus strand): 5'-ATTTAGAACGTCCAATACATCAGCTACTTTGGCATTTGATTCAGACTCCCCATCATGTGA[GT>G]CATCAGAACCTAACAGTTCATCACTTCTGGAAAACCACTCATTAACTTTCTGAATGCTGC-3'

ClinVar aggregate classification (germline): Pathogenic. Review status: reviewed by expert panel (3 of 4 stars). 4 submissions from 4 submitters: Pathogenic (1). 3 of the submissions do not count toward it. Last evaluated 2016-09-08.

Conditions:
Hereditary breast ovarian cancer syndrome. Also called: Hereditary breast and ovarian cancer syndrome (HBOC); Breast and ovarian cancer; Hereditary breast and ovarian cancer syndrome; Hereditary breast and ovarian cancer; BRCA1- and BRCA2-Associated Hereditary Breast and Ovarian Cancer; Hereditary breast and/or ovarian cancer syndrome. Identifiers: Orphanet 145, MedGen C0677776, MeSH D061325, MONDO:0003582. Disease mechanism: loss of function.
Breast-ovarian cancer, familial, susceptibility to, 1 (BROVCA1). Also called: BRCA1 Hereditary Breast and Ovarian Cancer; OVARIAN CANCER, SUSCEPTIBILITY TO. Identifiers: Orphanet 145, MedGen C2676676, MONDO:0011450, OMIM 604370. Disease mechanism: loss of function.
Hereditary cancer-predisposing syndrome. Also called: Hereditary Cancer Syndrome; Neoplastic Syndromes, Hereditary; Hereditary neoplastic syndrome; Tumor predisposition. Identifiers: Orphanet 140162, MedGen C0027672, MeSH D009386, MONDO:0015356.

Allele frequency attached by ClinVar (database versions not stated): gnomAD exomes below 0.00001; ExAC 0.00001.

Submissions (4):

Evidence-based Network for the Interpretation of Germline Mutant Alleles (ENIGMA)
Classification: Pathogenic for Breast-ovarian cancer, familial, susceptibility to, 1. Last evaluated: 2016-09-08. Review status: reviewed by expert panel. Criteria: ENIGMA BRCA1/2 Classification Criteria (2015). Collection method: curation. Allele origin: germline.
Comment: Variant allele predicted to encode a truncated non-functional protein.

Ambry Genetics
Classification: Pathogenic for Hereditary cancer-predisposing syndrome. Last evaluated: 2024-07-06. Review status: criteria provided, single submitter. Criteria: Ambry Variant Classification Scheme 2023. Collection method: clinical testing. Allele origin: germline. Not counted in ClinVar's aggregate classification.
Comment: The c.1190delA pathogenic mutation, located in coding exon 9 of the BRCA1 gene, results from a deletion of one nucleotide at nucleotide position 1190, causing a translational frameshift with a predicted alternate stop codon (p.D397Afs*13). This variant was detected in a cohort of 523 Pakistani patients diagnosed with breast cancer (Rashid MU et al. BMC Cancer, 2016 Aug;16:673). This alteration is expected to result in loss of function by premature protein truncation or nonsense-mediated mRNA decay. As such, this alteration is interpreted as a disease-causing mutation.

Labcorp Genetics (formerly Invitae), Labcorp
Classification: Pathogenic for Hereditary breast ovarian cancer syndrome. Last evaluated: 2022-03-26. Review status: criteria provided, single submitter. Criteria: Invitae Variant Classification Sherloc (09022015). Collection method: clinical testing. Allele origin: germline. Not counted in ClinVar's aggregate classification.
Comment: ClinVar contains an entry for this variant (Variation ID: 254392). This premature translational stop signal has been observed in individual(s) with breast cancer (PMID: 27553291). This variant is present in population databases (rs748714307, gnomAD 0.003%). This sequence change creates a premature translational stop signal (p.Asp397Alafs*13) in the BRCA1 gene. It is expected to result in an absent or disrupted protein product. Loss-of-function variants in BRCA1 are known to be pathogenic (PMID: 20104584). For these reasons, this variant has been classified as Pathogenic.

Consortium of Investigators of Modifiers of BRCA1/2 (CIMBA), c/o University of Cambridge
Classification: Pathogenic for Breast-ovarian cancer, familial, susceptibility to, 1. Last evaluated: 2015-10-02. Review status: criteria provided, single submitter. Criteria: CIMBA Mutation Classification guidelines May 2016. Collection method: clinical testing. Allele origin: germline. Not counted in ClinVar's aggregate classification.

Literature cited by the submitters: PubMed 27553291 (cited by Ambry Genetics and Labcorp Genetics (formerly Invitae), Labcorp); PubMed 20104584 (cited by Labcorp Genetics (formerly Invitae), Labcorp).